The following is an entry in ClinVar:

ClinVar aggregate classification (germline): Uncertain significance (1 of 4 stars; one submission).

Submission:

GeneDx
Classification: Uncertain significance. Last evaluated: 2018-01-08. Review status: criteria provided, single submitter. Criteria: GeneDx Variant Classification (06012015). Collection method: clinical testing. Allele origin: germline. Affected: yes.
Comment: A c.2 T>C variant of uncertain significance in the LTBP4 gene has not been published as pathogenic or been reported as benign to our knowledge, this variant alters the initiator Methionine codon. The resultant protein would be described as p.Met1?" using a question mark to signify that it is not known if the loss of Met1 means that all protein translation is completely prevented or if an abnormal protein is produced using an alternate Methionine. Of note, there are multiple transcripts of the LTBP4 gene with at least three alternative first exons, each with a different translational start site. It is not known whether loss of the Met1 translational start site in this transcript is sufficient to affect protein function, and, in the absence of functional studies, the physiological consequence of this variant cannot be precisely determined. Finally, the c.2 T>C variant is not observed in large population cohorts (Lek et al., 2016). Therefore, based on the currently available information, it is unclear if this variant is pathogenic or rare benign."

NM_003573.2(LTBP4):c.2T>C (p.Met1Thr)

Gene: LTBP4 (latent transforming growth factor beta binding protein 4; plus strand). Cytogenetic location: 19q13.2.
Variant type: single nucleotide variant.
Coding change: c.2T>C on transcript NM_003573.2; coding-DNA position 2, T replaced by C.
Protein change: p.Met1Thr; changes the start codon (methionine 1).
Molecular consequence: missense variant, initiator codon variant.
Genome position (GRCh38, 1-based): chr19:40,593,167, T>C. VCF-style: chr19-40593167-T-C. GRCh37 (hg19) VCF-style: chr19-41099073-T-C.
Other names: short protein forms M1T.
Identifiers: ClinVar variation 489307 (VCV000489307.5), dbSNP rs1250364777, ClinGen allele CA405929139.
Genomic context (GRCh38, chr19:40,593,167, plus strand): 5'-CGTTCCAAGAAATCCATAATGGCAGGAGATTCCGGATTATCAGAGAATCTGGAACACAAA[T>C]GGGAGACGTAAAAGGTGAGTGCCTCTGAAACCGGGGTGTTCTGAAATAGCTGTGCACCTC-3'